The following is an entry in ClinVar:

ClinVar aggregate classification (germline): Uncertain significance (1 of 4 stars; one submission).

Conditions:
STXBP2-related disorder. Also called: STXBP2-related condition.

gnomAD v4.1: 4 of 1,613,850 alleles (0.00025%); highest among the groups gnomAD compares: South Asian, 0.0044%; no homozygotes.

Submission:

PreventionGenetics, part of Exact Sciences
Classification: Uncertain significance for STXBP2-related condition. Last evaluated: 2025-12-23. Review status: criteria provided, single submitter. Criteria: ACMG Guidelines, 2015. Collection method: clinical testing. Allele origin: germline.
Comment: The STXBP2 c.913G>A variant is predicted to result in the amino acid substitution p.Glu305Lys. To our knowledge, this variant has not been reported in the literature. This variant is reported in 0.0098% of alleles in individuals of South Asian descent in gnomAD. At this time, the clinical significance of this variant is uncertain due to the absence of conclusive functional and genetic evidence.

NM_006949.4(STXBP2):c.913G>A (p.Glu305Lys)

Gene: STXBP2 (syntaxin binding protein 2; plus strand). Cytogenetic location: 19p13.2.
Variant type: single nucleotide variant.
Coding change: c.913G>A on transcript NM_006949.4 (MANE Select); coding-DNA position 913, G replaced by A.
Protein change: p.Glu305Lys; replaces glutamic acid 305 with lysine.
Molecular consequence: missense variant. On other transcripts: non-coding transcript variant (1).
Genome position (GRCh38, 1-based): chr19:7,642,776, G>A. VCF-style: chr19-7642776-G-A. GRCh37 (hg19) VCF-style: chr19-7707662-G-A.
Other names: c.904G>A, p.Glu302Lys (NM_001127396.3); c.946G>A, p.Glu316Lys (NM_001272034.2); c.817G>A, p.Glu273Lys (NM_001414484.1); short protein forms E273K, E316K, E302K, E305K.
Identifiers: ClinVar variation 4995239 (VCV004995239.1).